The following is an entry in ClinVar:

ClinVar aggregate classification (germline): Uncertain significance (1 of 4 stars; one submission).

Allele frequency attached by ClinVar (database versions not stated): gnomAD exomes 0.00001.
gnomAD v4.1: 14 of 1,614,096 alleles (0.00087%); highest among the groups gnomAD compares: Non-Finnish European, 0.0012%; no homozygotes.

Submission:

Labcorp Genetics (formerly Invitae), Labcorp
Classification: Uncertain significance. Last evaluated: 2021-08-31. Review status: criteria provided, single submitter. Criteria: Invitae Variant Classification Sherloc (09022015). Collection method: clinical testing. Allele origin: germline.
Comment: This sequence change replaces glycine with valine at codon 233 of the GNPTG protein (p.Gly233Val). The glycine residue is moderately conserved and there is a moderate physicochemical difference between glycine and valine. This variant is not present in population databases (ExAC no frequency). This variant has not been reported in the literature in individuals affected with GNPTG-related conditions. Algorithms developed to predict the effect of missense changes on protein structure and function output the following: SIFT: "Tolerated"; PolyPhen-2: "Benign"; Align-GVGD: "Class C0". The valine amino acid residue is found in multiple mammalian species, which suggests that this missense change does not adversely affect protein function. In summary, the available evidence is currently insufficient to determine the role of this variant in disease. Therefore, it has been classified as a Variant of Uncertain Significance.

NM_032520.5(GNPTG):c.698G>T (p.Gly233Val)

Gene: GNPTG (N-acetylglucosamine-1-phosphate transferase subunit gamma; plus strand). Cytogenetic location: 16p13.3.
Variant type: single nucleotide variant.
Coding change: c.698G>T on transcript NM_032520.5 (MANE Select); coding-DNA position 698, G replaced by T.
Protein change: p.Gly233Val; replaces glycine 233 with valine.
Molecular consequence: missense variant.
Genome position (GRCh38, 1-based): chr16:1,362,699, G>T. VCF-style: chr16-1362699-G-T. GRCh37 (hg19) VCF-style: chr16-1412700-G-T.
Other names: short protein forms G233V.
Identifiers: ClinVar variation 1007571 (VCV001007571.6), dbSNP rs2034928063, ClinGen allele CA394188559.